The following is an entry in ClinVar:

ClinVar aggregate classification (germline): Conflicting classifications of pathogenicity. Review status: criteria provided, conflicting classifications (1 of 4 stars). 7 submissions from 6 submitters: Uncertain significance (6); Benign (1). Last evaluated 2025-05-19.

Conditions:
SETX-related disorder. Also called: SETX-related condition; SETX-related disorders. Identifiers: MedGen CN239403.
Spinocerebellar ataxia, autosomal recessive, with axonal neuropathy 2 (SCAN2). Also called: ATAXIA-OCULOMOTOR APRAXIA 2; Ataxia with Oculomotor Apraxia Type 2; Ataxia with Oculomotor Apraxia; Ataxia-ocular apraxia-2. Identifiers: Orphanet 64753, MedGen C1853761, MONDO:0018996, OMIM 606002.
Amyotrophic lateral sclerosis type 4 (ALS4). Also called: AMYOTROPHIC LATERAL SCLEROSIS 4, JUVENILE; NEURONOPATHY, DISTAL HEREDITARY MOTOR, WITH PYRAMIDAL FEATURES. Identifiers: Orphanet 357043, MedGen C1865409, MONDO:0011223, OMIM 602433.

Allele frequency attached by ClinVar (database versions not stated): gnomAD 0.00001; gnomAD exomes 0.00002 and 0.00006; TOPMed 0.00005; ExAC 0.00008; ESP Exome Variant Server 0.00008.
gnomAD v4.1: 30 of 1,613,556 alleles (0.0019%); highest among the groups gnomAD compares: Admixed American, 0.025%; no homozygotes.

Submissions (7):

PreventionGenetics, part of Exact Sciences
Classification: Uncertain significance for SETX-related condition. Last evaluated: 2025-05-19. Review status: criteria provided, single submitter. Criteria: ACMG Guidelines, 2015. Collection method: clinical testing. Allele origin: germline.
Comment: The SETX c.5839G>A variant is predicted to result in the amino acid substitution p.Ala1947Thr. This variant has been reported in an individual with juvenile onset amyotrophic lateral sclerosis (Tunca et al. 2020. PubMed ID: 32579787). This variant is reported in 0.034% of alleles in individuals of Latino descent in gnomAD. At this time, the clinical significance of this variant is uncertain due to the absence of conclusive functional and genetic evidence.

Women's Health and Genetics/Laboratory Corporation of America, LabCorp
Classification: Uncertain significance. Last evaluated: 2025-05-14. Review status: criteria provided, single submitter. Criteria: LabCorp Variant Classification Summary - May 2015. Collection method: clinical testing. Allele origin: germline.
Comment: Variant summary: SETX c.5839G>A (p.Ala1947Thr) results in a non-conservative amino acid change in the encoded protein sequence. Algorithms developed to predict the effect of missense changes on protein structure and function all suggest that this variant is likely to be disruptive. The variant allele was found at a frequency of 6e-05 in 251318 control chromosomes. This frequency is not significantly higher than estimated for a pathogenic variant in SETX causing Spinocerebellar ataxia, autosomal recessive, with axonal neuropathy 2 (6e-05 vs 0.0012), allowing no conclusion about variant significance. c.5839G>A has been observed in at least an individual affected with amyotrophic lateral sclerosis (Tunca_2020). This report however, does not provide unequivocal conclusions about association of the variant with Spinocerebellar ataxia, autosomal recessive, with axonal neuropathy 2. To our knowledge, no experimental evidence demonstrating an impact on protein function has been reported. The following publication have been ascertained in the context of this evaluation (PMID: 32579787). ClinVar contains an entry for this variant (Variation ID: 873225). Based on the evidence outlined above, the variant was classified as uncertain significance.

Athena Diagnostics
Classification: Uncertain significance. Last evaluated: 2024-12-20. Review status: criteria provided, single submitter. Criteria: Athena Diagnostics Criteria. Collection method: clinical testing. Allele origin: unknown.
Comment: Available data are insufficient to determine the clinical significance of the variant at this time. The frequency of this variant in the general population is higher than would generally be expected for pathogenic variants in this gene. Polyphen and MutationTaster predict this amino acid change may be damaging to the protein.

Labcorp Genetics (formerly Invitae), Labcorp
Classification: Benign for Amyotrophic lateral sclerosis type 4; Spinocerebellar ataxia, autosomal recessive, with axonal neuropathy 2. Last evaluated: 2024-11-03. Review status: criteria provided, single submitter. Criteria: Invitae Variant Classification Sherloc (09022015). Collection method: clinical testing. Allele origin: germline.

Genome-Nilou Lab
Classification: Uncertain significance for Spinocerebellar ataxia, autosomal recessive, with axonal neuropathy 2. Last evaluated: 2023-02-08. Review status: criteria provided, single submitter. Criteria: ACMG Guidelines, 2015. Collection method: clinical testing. Allele origin: germline.

Genome-Nilou Lab
Classification: Uncertain significance for Amyotrophic lateral sclerosis type 4. Last evaluated: 2023-02-08. Review status: criteria provided, single submitter. Criteria: ACMG Guidelines, 2015. Collection method: clinical testing. Allele origin: germline.

Suna and Inan Kirac Foundation Neurodegeneration Research Laboratory, Koc University
Classification: Uncertain significance for Amyotrophic lateral sclerosis type 4. Last evaluated: 2020-03-31. Review status: criteria provided, single submitter. Criteria: ACMG Guidelines, 2015. Collection method: research. Allele origin: germline. Affected: yes. Observed: 1 variant allele.

Literature cited by the submitters: PubMed 32579787 (cited by Women's Health and Genetics/Laboratory Corporation of America, LabCorp and Athena Diagnostics).

NM_015046.7(SETX):c.5839G>A (p.Ala1947Thr)

Gene: SETX (senataxin; minus strand). Cytogenetic location: 9q34.13.
Variant type: single nucleotide variant.
Coding change: c.5839G>A on transcript NM_015046.7 (MANE Select); coding-DNA position 5839, G replaced by A.
Protein change: p.Ala1947Thr; replaces alanine 1947 with threonine.
Molecular consequence: missense variant.
Genome position (GRCh38, 1-based): chr9:132,296,997, C>T on the plus strand (G>A on the coding strand, the complement: SETX is on the minus strand). VCF-style: chr9-132296997-C-T. GRCh37 (hg19) VCF-style: chr9-135172384-C-T.
Other names: c.5839G>A, p.Ala1947Thr (NM_001351527.2, NM_001351528.2); short protein forms A1947T.
Identifiers: ClinVar variation 873225 (VCV000873225.15), dbSNP rs141440621, ClinGen allele CA5296888.